The following is an entry in ClinVar:

ClinVar aggregate classification (germline): Uncertain significance (1 of 4 stars; one submission).

Conditions:
Familial hemophagocytic lymphohistiocytosis 5. Also called: STXBP2-Related Familial Hemophagocytic Lymphohistiocytosis (STXBP2-fHLH). Identifiers: Orphanet 540, MedGen C2751293, MONDO:0013135, OMIM 613101.

Allele frequency attached by ClinVar (database versions not stated): gnomAD exomes below 0.00001; ExAC 0.00001.
gnomAD v4.1: 2 of 1,614,108 alleles (0.00012%); highest among the groups gnomAD compares: East Asian, 0.0022%; no homozygotes.

Submission:

Labcorp Genetics (formerly Invitae), Labcorp
Classification: Uncertain significance for Familial hemophagocytic lymphohistiocytosis 5. Last evaluated: 2022-07-12. Review status: criteria provided, single submitter. Criteria: Invitae Variant Classification Sherloc (09022015). Collection method: clinical testing. Allele origin: germline.
Comment: This sequence change replaces methionine, which is neutral and non-polar, with isoleucine, which is neutral and non-polar, at codon 354 of the STXBP2 protein (p.Met354Ile). This variant is present in population databases (rs752730714, gnomAD 0.006%). This variant has not been reported in the literature in individuals affected with STXBP2-related conditions. ClinVar contains an entry for this variant (Variation ID: 1520842). Algorithms developed to predict the effect of missense changes on protein structure and function are either unavailable or do not agree on the potential impact of this missense change (SIFT: "Tolerated"; PolyPhen-2: "Probably Damaging"; Align-GVGD: "Class C0"). In summary, the available evidence is currently insufficient to determine the role of this variant in disease. Therefore, it has been classified as a Variant of Uncertain Significance.

NM_006949.4(STXBP2):c.1062G>A (p.Met354Ile)

Gene: STXBP2 (syntaxin binding protein 2; plus strand). Cytogenetic location: 19p13.2.
Variant type: single nucleotide variant.
Coding change: c.1062G>A on transcript NM_006949.4 (MANE Select); coding-DNA position 1062, G replaced by A.
Protein change: p.Met354Ile; replaces methionine 354 with isoleucine.
Molecular consequence: missense variant.
Genome position (GRCh38, 1-based): chr19:7,643,200, G>A. VCF-style: chr19-7643200-G-A. GRCh37 (hg19) VCF-style: chr19-7708086-G-A.
Other names: c.1053G>A, p.Met351Ile (NM_001127396.3); c.1095G>A, p.Met365Ile (NM_001272034.2); short protein forms M354I, M351I, M365I.
Identifiers: ClinVar variation 1520842 (VCV001520842.3), dbSNP rs752730714, ClinGen allele CA9143955.